The following is an entry in ClinVar:

ClinVar aggregate classification (germline): Uncertain significance (1 of 4 stars; one submission).

Conditions:
Inborn genetic diseases. Identifiers: MedGen C0950123, MeSH D030342.

Allele frequency attached by ClinVar (database versions not stated): ExAC 0.00001; gnomAD exomes 0.00001.
gnomAD v4.1: 3 of 1,614,102 alleles (0.00019%); highest among the groups gnomAD compares: Non-Finnish European, 0.00025%; no homozygotes.

Submission:

Ambry Genetics
Classification: Uncertain significance for Inborn genetic diseases. Last evaluated: 2022-01-05. Review status: criteria provided, single submitter. Criteria: Ambry Variant Classification Scheme 2023. Collection method: clinical testing. Allele origin: germline.
Comment: The p.S108G variant (also known as c.322A>G), located in coding exon 3 of the BCKDHA gene, results from an A to G substitution at nucleotide position 322. The serine at codon 108 is replaced by glycine, an amino acid with similar properties. This amino acid position is conserved. In addition, the in silico prediction for this alteration is inconclusive. Since supporting evidence is limited at this time, the clinical significance of this alteration remains unclear.

NM_000709.4(BCKDHA):c.322A>G (p.Ser108Gly)

Gene: BCKDHA (branched chain keto acid dehydrogenase E1 subunit alpha; plus strand). Cytogenetic location: 19q13.2.
Variant type: single nucleotide variant.
Coding change: c.322A>G on transcript NM_000709.4 (MANE Select); coding-DNA position 322, A replaced by G.
Protein change: p.Ser108Gly; replaces serine 108 with glycine.
Molecular consequence: missense variant.
Genome position (GRCh38, 1-based): chr19:41,410,956, A>G. VCF-style: chr19-41410956-A-G. GRCh37 (hg19) VCF-style: chr19-41916861-A-G.
Other names: c.322A>G, p.Ser108Gly (NM_001164783.2); short protein forms S108G.
Identifiers: ClinVar variation 1729158 (VCV001729158.2), dbSNP rs757507972, ClinGen allele CA9461085.